The following is an entry in ClinVar:

ClinVar aggregate classification (germline): Uncertain significance. Review status: criteria provided, multiple submitters, no conflicts (2 of 4 stars). 2 submissions from 2 submitters: Uncertain significance (2). Last evaluated 2024-08-06.

Conditions:
Autoimmune interstitial lung disease-arthritis syndrome. Also called: Autoinflammation and autoimmunity, systemic, with immune dysregulation. Identifiers: Orphanet 444092, MedGen C5975714, MONDO:0014629.

Allele frequency attached by ClinVar (database versions not stated): ExAC 0.00002; gnomAD 0.00002; gnomAD exomes 0.00002; TOPMed 0.00004.

Submissions (2):

Blueprint Genetics
Classification: Uncertain significance. Last evaluated: 2024-08-06. Review status: criteria provided, single submitter. Criteria: ACMG Guidelines, 2015. Collection method: clinical testing. Allele origin: germline.

Labcorp Genetics (formerly Invitae), Labcorp
Classification: Uncertain significance for Autoimmune interstitial lung disease-arthritis syndrome. Last evaluated: 2023-12-30. Review status: criteria provided, single submitter. Criteria: Invitae Variant Classification Sherloc (09022015). Collection method: clinical testing. Allele origin: germline.
Comment: This variant, c.2598_2600del, results in the deletion of 1 amino acid(s) of the COPA protein (p.Asp868del), but otherwise preserves the integrity of the reading frame. This variant is present in population databases (rs745932575, gnomAD 0.03%). This variant has not been reported in the literature in individuals affected with COPA-related conditions. Experimental studies and prediction algorithms are not available or were not evaluated, and the functional significance of this variant is currently unknown. In summary, the available evidence is currently insufficient to determine the role of this variant in disease. Therefore, it has been classified as a Variant of Uncertain Significance.

NM_004371.4(COPA):c.2598_2600del (p.Asp868del)

Gene: COPA (coat protein complex I subunit alpha; minus strand). Cytogenetic location: 1q23.2.
Variant type: Deletion.
Coding change: c.2598_2600del on transcript NM_004371.4 (MANE Select); coding-DNA positions 2598 to 2600, 3 bases deleted (GGA; older notation c.2598_2600delGGA).
Protein change: p.Asp868del; deletes aspartic acid 868.
Molecular consequence: inframe deletion.
Genome position (GRCh38, 1-based): chr1:160,294,560-160,294,562, TCC deleted on the plus strand (GGA on the coding strand, the reverse complement: COPA is on the minus strand). VCF-style (leftmost placement, unchanged base first): chr1-160294559-ATCC-A. GRCh37 (hg19) VCF-style: chr1-160264349-ATCC-A.
Other names: c.2625_2627del, p.Asp877del (NM_001098398.2); short protein forms D868del, D877del.
Identifiers: ClinVar variation 2732490 (VCV002732490.4), dbSNP rs745932575, ClinGen allele CA1197838.